The following is an entry in ClinVar:

NM_004364.5(CEBPA):c.612G>C (p.Pro204=)

Gene: CEBPA (CCAAT enhancer binding protein alpha; minus strand). Cytogenetic location: 19q13.11.
Variant type: single nucleotide variant.
Coding change: c.612G>C on transcript NM_004364.5 (MANE Select); coding-DNA position 612, G replaced by C.
Protein change: p.Pro204=; no amino-acid change (proline 204 retained).
Molecular consequence: synonymous variant.
Genome position (GRCh38, 1-based): chr19:33,301,803, C>G on the plus strand (G>C on the coding strand, the complement: CEBPA is on the minus strand). VCF-style: chr19-33301803-C-G. GRCh37 (hg19) VCF-style: chr19-33792709-C-G.
Other names: c.255G>C, p.Pro85= (NM_001285829.2); c.717G>C, p.Pro239= (NM_001287424.2); c.570G>C, p.Pro190= (NM_001287435.2).
Identifiers: ClinVar variation 415191 (VCV000415191.18), dbSNP rs552634598, ClinGen allele CA9363701.

ClinVar aggregate classification (germline): Benign/Likely benign. Review status: criteria provided, multiple submitters, no conflicts (2 of 4 stars). 6 submissions from 6 submitters: Benign (3); Likely benign (2). 1 of the submissions does not count toward it. Last evaluated 2026-01-05.

Conditions:
CEBPA-related disorder. Also called: CEBPA-related condition.
Inborn genetic diseases. Identifiers: MedGen C0950123, MeSH D030342.
Hereditary cancer-predisposing syndrome. Also called: Neoplastic Syndromes, Hereditary; Hereditary neoplastic syndrome; Hereditary Cancer Syndrome; Tumor predisposition. Identifiers: Orphanet 140162, MedGen C0027672, MeSH D009386, MONDO:0015356.
Acute myeloid leukemia (AML). Also called: Leukemia, acute myeloid, somatic; Leukemia, acute myelogenous, somatic; Acute myeloid leukemia, adult; AML adult; Acute non-lymphocytic leukemia; Acute granulocytic leukemia. Identifiers: Orphanet 519, MedGen C0023467, MeSH D015470, MONDO:0018874, OMIM 601626, HP:0004808. Disease mechanism: Constitutively activated FLT3.

Allele frequency attached by ClinVar (database versions not stated): TOPMed 0.00204; gnomAD 0.00214 and 0.00200; 1000 Genomes Project 0.00260; 1000 Genomes Project 30x 0.00281; ExAC below 0.00001.
gnomAD v4.1: 528 of 1,236,474 alleles (0.043%); highest among the groups gnomAD compares: African/African-American, 0.7%; 2 homozygotes.

Submissions (6):

Labcorp Genetics (formerly Invitae), Labcorp
Classification: Benign for Acute myeloid leukemia. Last evaluated: 2026-01-05. Review status: criteria provided, single submitter. Criteria: Invitae Variant Classification Sherloc (09022015). Collection method: clinical testing. Allele origin: germline.

Ambry Genetics
Classification: Likely benign for Inborn genetic diseases. Last evaluated: 2024-10-02. Review status: criteria provided, single submitter. Criteria: Ambry Variant Classification Scheme 2023. Collection method: clinical testing. Allele origin: germline.

Blueprint Genetics
Classification: Likely benign. Last evaluated: 2024-09-11. Review status: criteria provided, single submitter. Criteria: ACMG Guidelines, 2015. Collection method: clinical testing. Allele origin: germline.

Sema4
Classification: Benign for Hereditary cancer-predisposing syndrome. Last evaluated: 2020-09-06. Review status: criteria provided, single submitter. Criteria: Sema4 Curation Guidelines. Collection method: curation. Allele origin: germline.

Breakthrough Genomics
Classification: Benign. Review status: criteria provided, single submitter. Criteria: ACMG Guidelines, 2015. Collection method: not provided. Allele origin: germline. Inheritance: Autosomal dominant inheritance. Affected: yes.

PreventionGenetics, part of Exact Sciences
Classification: Likely benign for CEBPA-related condition. Last evaluated: 2019-11-08. Review status: no assertion criteria provided. Collection method: clinical testing. Allele origin: germline. Not counted in ClinVar's aggregate classification.
Comment: This variant is classified as likely benign based on ACMG/AMP sequence variant interpretation guidelines (Richards et al. 2015 PMID: 25741868, with internal and published modifications).